The following is an entry in ClinVar:

ClinVar aggregate classification (germline): Uncertain significance. Review status: criteria provided, multiple submitters, no conflicts (2 of 4 stars). 4 submissions from 4 submitters: Uncertain significance (3). 1 of the submissions does not count toward it. Last evaluated 2025-11-05.

Conditions:
Cardiomyopathy (CMYO). Also called: Cardiomyopathies. Identifiers: Orphanet 167848, MedGen C0878544, MONDO:0004994, HP:0001638. Inheritance: Various modes of inheritance.
Atrial fibrillation, familial, 12 (ATFB12). Identifiers: MedGen C3279695, MONDO:0013545, OMIM 614050.
Dilated cardiomyopathy 1O (CMD1O). Also called: CARDIOMYOPATHY, DILATED, WITH VENTRICULAR TACHYCARDIA. Identifiers: Orphanet 154, MedGen C1837839, MONDO:0012062, OMIM 608569.
Hypertrophic cardiomyopathy. Also called: HYPERTROPHIC MYOCARDIOPATHY. Identifiers: Orphanet 217569, MedGen C0007194, MeSH D002312, MONDO:0005045, HP:0001639.

Allele frequency attached by ClinVar (database versions not stated): gnomAD exomes below 0.00001.
gnomAD v4.1: 1 of 1,613,934 alleles (0.000062%); highest among the groups gnomAD compares: Non-Finnish European, 0.000085%; no homozygotes.

Submissions (4):

Labcorp Genetics (formerly Invitae), Labcorp
Classification: Uncertain significance for Dilated cardiomyopathy 1O. Last evaluated: 2025-11-05. Review status: criteria provided, single submitter. Criteria: Invitae Variant Classification Sherloc (09022015). Collection method: clinical testing. Allele origin: germline.
Comment: This sequence change replaces threonine, which is neutral and polar, with isoleucine, which is neutral and non-polar, at codon 1547 of the ABCC9 protein (p.Thr1547Ile). This variant is not present in population databases (gnomAD no frequency). This missense change has been observed in individual(s) with ABCC9-related conditions (PMID: 17245405). ClinVar contains an entry for this variant (Variation ID: 30185). Invitae Evidence Modeling of protein sequence and biophysical properties (such as structural, functional, and spatial information, amino acid conservation, physicochemical variation, residue mobility, and thermodynamic stability) indicates that this missense variant is not expected to disrupt ABCC9 protein function with a negative predictive value of 80%. Experimental studies have shown that this missense change affects ABCC9 function (PMID: 17245405). In summary, the available evidence is currently insufficient to determine the role of this variant in disease. Therefore, it has been classified as a Variant of Uncertain Significance.

Loeys Lab, Universiteit Antwerpen
Classification: Uncertain significance for Hypertrophic cardiomyopathy. Last evaluated: 2021-02-26. Review status: criteria provided, single submitter. Criteria: ACMG Guidelines, 2015. Collection method: clinical testing. Allele origin: maternal. Affected: yes. Observed: 2 variant alleles, 2 heterozygotes.
Comment: This sequence change results in a missense variant in the ABCC9 gene (p.(Thr1547Ile)). This variant is not present in population databases (absent from GnomAD; PM2). This variant has been reported in the literature in individuals with atrial fibrillation(Olsen et. al; 2007). Functional data are available: Patch-clamp analysis demonstrated that the variant compromised ATP-dependent induction of K-current. Kir6.2-Knock-out mice developed AF in response to adrenergic stimulus. (Olsen et. al; 2007; PS3). Prediction programs showed conflicting results (Align GVGD: G0; PolyPhen-2HumDiv and HumVar: benign; SIFT: tolerated; Mutation taster: disease causing). The variant affects a highly conserved nucleotide and weakly conserved amino acid. The variant was identified in a family with HCM, however it did not show segregation with the HCM-phenotype (BS4). In conclusion this variant was classified as a variant of unknown significance according to ACMG-guidelines (Conflicting results: PM2,PS3, BS4).

CHEO Genetics Diagnostic Laboratory, Children's Hospital of Eastern Ontario
Classification: Uncertain significance for Cardiomyopathy. Last evaluated: 2017-06-26. Review status: criteria provided, single submitter. Criteria: ACMG Guidelines, 2015. Collection method: clinical testing. Allele origin: germline. Study: Canadian Open Genetics Repository.

OMIM
Classification: Pathogenic for ATRIAL FIBRILLATION, FAMILIAL, 12 (1 patient). Last evaluated: 2007-02-01. Review status: no assertion criteria provided. Collection method: literature only. Allele origin: germline. Not counted in ClinVar's aggregate classification.

Literature cited by the submitters: PubMed 17245405 (cited by 3 submitters).

NM_020297.4(ABCC9):c.4512+814C>T

Genes: KCNJ8-AS1 (KCNJ8 antisense RNA 1; plus strand), ABCC9 (ATP binding cassette subfamily C member 9; minus strand). Cytogenetic location: 12p12.1.
Variant type: single nucleotide variant.
Coding change: c.4512+814C>T on transcript NM_020297.4 (MANE Select); 814 bases into the intron after coding-DNA position 4512, C replaced by T.
Molecular consequence: intron variant. On other transcripts: missense variant (1).
Genome position (GRCh38, 1-based): chr12:21,805,184, G>A on the plus strand (C>T on the coding strand, the complement: ABCC9 is on the minus strand). VCF-style: chr12-21805184-G-A. GRCh37 (hg19) VCF-style: chr12-21958118-G-A.
Other names: c.4640C>T, p.Thr1547Ile (NM_005691.4); c.3645+814C>T (NM_001377274.1); c.4512+814C>T (NM_001377273.1); short protein forms T1547I.
Identifiers: ClinVar variation 30185 (VCV000030185.14), dbSNP rs387906805, ClinGen allele CA129007.